The following is an entry in ClinVar:

NM_002067.5(GNA11):c.1021T>C (p.Phe341Leu)

Gene: GNA11 (G protein subunit alpha 11; plus strand). Cytogenetic location: 19p13.3.
Variant type: single nucleotide variant.
Coding change: c.1021T>C on transcript NM_002067.5 (MANE Select); coding-DNA position 1021, T replaced by C.
Protein change: p.Phe341Leu; replaces phenylalanine 341 with leucine.
Molecular consequence: missense variant.
Genome position (GRCh38, 1-based): chr19:3,121,120, T>C. VCF-style: chr19-3121120-T-C. GRCh37 (hg19) VCF-style: chr19-3121118-T-C.
Other names: short protein forms F341L.
Identifiers: ClinVar variation 3665763 (VCV003665763.2).
Genomic context (GRCh38, chr19:3,121,120, plus strand): 5'-GACAAGATCATCTACTCACACTTCACGTGTGCCACCGACACGGAGAACATCCGCTTCGTG[T>C]TCGCGGCCGTGAAGGACACCATCCTGCAGCTCAACCTCAAGGAGTACAACCTGGTCTGAG-3'
Protein context (NP_002058.2, residues 331-351): ATDTENIRFV[Phe341Leu]AAVKDTILQL

ClinVar aggregate classification (germline): Uncertain significance (1 of 4 stars; one submission).

Submission:

Labcorp Genetics (formerly Invitae), Labcorp
Classification: Uncertain significance. Last evaluated: 2024-09-23. Review status: criteria provided, single submitter. Criteria: Invitae Variant Classification Sherloc (09022015). Collection method: clinical testing. Allele origin: germline.
Comment: This sequence change replaces phenylalanine, which is neutral and non-polar, with leucine, which is neutral and non-polar, at codon 341 of the GNA11 protein (p.Phe341Leu). This variant is not present in population databases (gnomAD no frequency). This missense change has been observed in individual(s) with hypocalcemia (PMID: 23802516, 36970776). Invitae Evidence Modeling of protein sequence and biophysical properties (such as structural, functional, and spatial information, amino acid conservation, physicochemical variation, residue mobility, and thermodynamic stability) indicates that this missense variant is not expected to disrupt GNA11 protein function with a negative predictive value of 80%. Experimental studies have shown that this missense change affects GNA11 function (PMID: 23802516, 26818911, 26994139). In summary, the available evidence is currently insufficient to determine the role of this variant in disease. Therefore, it has been classified as a Variant of Uncertain Significance.

Literature cited by the submitters: PubMed 23802516; PubMed 36970776; PubMed 26818911; PubMed 26994139.